The following is an entry in ClinVar:

ClinVar aggregate classification (germline): Pathogenic. Review status: criteria provided, multiple submitters, no conflicts (2 of 4 stars). 6 submissions from 6 submitters: Pathogenic (6). Last evaluated 2025-09-10.

Conditions:
TCF12-related craniosynostosis. Also called: Craniosynostosis 3. Identifiers: Orphanet 35098, Orphanet 35099, Orphanet 672979, MedGen C3715051, MONDO:0014128, OMIM 615314.
Autism spectrum disorder. Also called: Autism spectrum disorders. Identifiers: MedGen C1510586, MeSH D000067877, MONDO:0005258.
Hypogonadotropic hypogonadism 26 with or without anosmia (HH26). Identifiers: MedGen C5676903, MONDO:0030534, OMIM 619718.

Allele frequency attached by ClinVar (database versions not stated): TOPMed below 0.00001.

Submissions (6):

3billion
Classification: Pathogenic for TCF12-related craniosynostosis. Last evaluated: 2025-09-10. Review status: criteria provided, single submitter. Criteria: ACMG Guidelines, 2015. Collection method: clinical testing. Allele origin: germline. Affected: yes.
Comment: The variant is not observed in the gnomAD v4.1.0 dataset. Predicted Consequence/Location: Stop-gained (nonsense): predicted to result in a loss or disruption of normal protein function through nonsense-mediated decay (NMD) or protein truncation. Multiple pathogenic variants are reported downstream of the variant. The variant has been reported at least twice as pathogenic with clinical assertions and evidence for the classification (ClinVar ID: VCV000871064 /PMID: 23354436 /3billion dataset). Therefore, this variant is classified as Pathogenic according to the recommendation of ACMG/AMP guideline.

Genomic Medicine Center of Excellence, King Faisal Specialist Hospital and Research Centre
Classification: Pathogenic for Hypogonadotropic hypogonadism 26 with or without anosmia. Last evaluated: 2025-09-10. Review status: criteria provided, single submitter. Criteria: ACMG Guidelines, 2015. Collection method: clinical testing. Allele origin: germline.

Genetics Laboratory, UDIAT-Centre Diagnòstic, Hospital Universitari Parc Tauli
Classification: Pathogenic for autism spectrum disorder. Last evaluated: 2024-09-12. Review status: criteria provided, single submitter. Criteria: ACMG Guidelines, 2015. Collection method: clinical testing. Allele origin: unknown. Inheritance: Autosomal dominant inheritance. Affected: yes.
Comment: PVS1_very strong;PM2_supporting;PM6_moderate

Labcorp Genetics (formerly Invitae), Labcorp
Classification: Pathogenic. Last evaluated: 2023-12-11. Review status: criteria provided, single submitter. Criteria: Invitae Variant Classification Sherloc (09022015). Collection method: clinical testing. Allele origin: germline.
Comment: This sequence change creates a premature translational stop signal (p.Arg485*) in the TCF12 gene. It is expected to result in an absent or disrupted protein product. Loss-of-function variants in TCF12 are known to be pathogenic (PMID: 23354436, 32620954). This variant is not present in population databases (gnomAD no frequency). This premature translational stop signal has been observed in individual(s) with craniosynostosis and/or Kallman syndrome (PMID: 23354436, 32620954). In at least one individual the variant was observed to be de novo. ClinVar contains an entry for this variant (Variation ID: 871064). For these reasons, this variant has been classified as Pathogenic.

GeneDx
Classification: Pathogenic. Last evaluated: 2023-06-02. Review status: criteria provided, single submitter. Criteria: GeneDx Variant Classification Process June 2021. Collection method: clinical testing. Allele origin: germline. Affected: yes.
Comment: Identified in a patient with Kallmann syndrome in published literature (Davis et al., 2020); Not observed at significant frequency in large population cohorts (gnomAD); Nonsense variant predicted to result in protein truncation or nonsense mediated decay in a gene for which loss of function is a known mechanism of disease; This variant is associated with the following publications: (PMID: 23354436, 32620954, 33904513)

CeGaT Center for Human Genetics Tuebingen
Classification: Pathogenic. Last evaluated: 2022-08-01. Review status: criteria provided, single submitter. Criteria: CeGaT Center For Human Genetics Tuebingen Variant Classification Criteria Version 2. Collection method: clinical testing. Allele origin: germline. Affected: yes. Observed: 2 variant alleles.
Comment: TCF12: PVS1, PM2

Literature cited by the submitters: PubMed 23354436 (cited by 3billion and Labcorp Genetics (formerly Invitae), Labcorp); PubMed 32620954 (cited by Labcorp Genetics (formerly Invitae), Labcorp).

NM_207037.2(TCF12):c.1453C>T (p.Arg485Ter)

Gene: TCF12 (transcription factor 12; plus strand). Cytogenetic location: 15q21.3.
Variant type: single nucleotide variant.
Coding change: c.1453C>T on transcript NM_207037.2 (MANE Select); coding-DNA position 1453, C replaced by T.
Protein change: p.Arg485Ter; replaces arginine 485 with a stop codon.
Molecular consequence: nonsense.
Genome position (GRCh38, 1-based): chr15:57,253,454, C>T. VCF-style: chr15-57253454-C-T. GRCh37 (hg19) VCF-style: chr15-57545652-C-T.
Other names: c.943C>T, p.Arg315Ter (NM_001306219.3); c.673C>T, p.Arg225Ter (NM_001306220.3); c.1453C>T, p.Arg485Ter (NM_001322151.2, NM_001322152.2, NM_001322159.3 and 2 more transcripts); c.796C>T, p.Arg266Ter (NM_001322154.2); c.1279C>T, p.Arg427Ter (NM_001322156.2); c.1381C>T, p.Arg461Ter (NM_001322157.3, NM_001322165.2, NM_003205.4 and 1 more transcripts); c.1207C>T, p.Arg403Ter (NM_001322158.2); c.1450C>T, p.Arg484Ter (NM_001322161.2); and 2 more; short protein forms R291*, R315*, R461*, R473*, R484*, R485*, R225*, R403*.
Identifiers: ClinVar variation 871064 (VCV000871064.49), dbSNP rs760718747, ClinGen allele CA392587601.